The following is an entry in ClinVar:

ClinVar aggregate classification (germline): Uncertain significance (1 of 4 stars; one submission).

Allele frequency attached by ClinVar (database versions not stated): ExAC 0.00001; gnomAD 0.00001; gnomAD exomes 0.00001.
gnomAD v4.1: 12 of 1,614,014 alleles (0.00074%); highest among the groups gnomAD compares: East Asian, 0.0045%; no homozygotes.

Submission:

Labcorp Genetics (formerly Invitae), Labcorp
Classification: Uncertain significance. Last evaluated: 2022-07-19. Review status: criteria provided, single submitter. Criteria: Invitae Variant Classification Sherloc (09022015). Collection method: clinical testing. Allele origin: germline.
Comment: In summary, the available evidence is currently insufficient to determine the role of this variant in disease. Therefore, it has been classified as a Variant of Uncertain Significance. Algorithms developed to predict the effect of missense changes on protein structure and function output the following: SIFT: "Deleterious"; PolyPhen-2: "Benign"; Align-GVGD: "Class C0". The glutamine amino acid residue is found in multiple mammalian species, which suggests that this missense change does not adversely affect protein function. ClinVar contains an entry for this variant (Variation ID: 1464701). This missense change has been observed in individual(s) with biliary atresia (PMID: 29707407). This variant is present in population databases (rs757769301, gnomAD 0.003%). This sequence change replaces arginine, which is basic and polar, with glutamine, which is neutral and polar, at codon 1085 of the MYO5B protein (p.Arg1085Gln).

Literature cited by the submitters: PubMed 29707407.

NM_001080467.3(MYO5B):c.3254G>A (p.Arg1085Gln)

Gene: MYO5B (myosin VB; minus strand). Cytogenetic location: 18q21.1.
Variant type: single nucleotide variant.
Coding change: c.3254G>A on transcript NM_001080467.3 (MANE Select); coding-DNA position 3254, G replaced by A.
Protein change: p.Arg1085Gln; replaces arginine 1085 with glutamine.
Molecular consequence: missense variant.
Genome position (GRCh38, 1-based): chr18:49,878,967, C>T on the plus strand (G>A on the coding strand, the complement: MYO5B is on the minus strand). VCF-style: chr18-49878967-C-T. GRCh37 (hg19) VCF-style: chr18-47405337-C-T.
Other names: short protein forms R1085Q.
Identifiers: ClinVar variation 1464701 (VCV001464701.9), dbSNP rs757769301, ClinGen allele CA8960792.